The following is an entry in ClinVar:

ClinVar aggregate classification (germline): Uncertain significance (1 of 4 stars; one submission).

Submission:

Ambry Genetics
Classification: Uncertain significance. Last evaluated: 2022-07-15. Review status: criteria provided, single submitter. Criteria: Ambry Variant Classification Scheme 2023. Collection method: clinical testing. Allele origin: germline.
Comment: The p.S538P variant (also known as c.1612T>C), located in coding exon 10 of the GALNT12 gene, results from a T to C substitution at nucleotide position 1612. The serine at codon 538 is replaced by proline, an amino acid with similar properties. This amino acid position is conserved. In addition, this alteration is predicted to be tolerated by in silico analysis. Since supporting evidence is limited at this time, the clinical significance of this alteration remains unclear.

NM_024642.5(GALNT12):c.1612T>C (p.Ser538Pro)

Gene: GALNT12 (polypeptide N-acetylgalactosaminyltransferase 12; plus strand). Cytogenetic location: 9q22.33.
Variant type: single nucleotide variant.
Coding change: c.1612T>C on transcript NM_024642.5 (MANE Select); coding-DNA position 1612, T replaced by C.
Protein change: p.Ser538Pro; replaces serine 538 with proline.
Molecular consequence: missense variant.
Genome position (GRCh38, 1-based): chr9:98,848,958, T>C. VCF-style: chr9-98848958-T-C. GRCh37 (hg19) VCF-style: chr9-101611240-T-C.
Other names: short protein forms S538P.
Identifiers: ClinVar variation 1776431 (VCV001776431.2), dbSNP rs2490565306, ClinGen allele CA374222677.